The following is an entry in ClinVar:

ClinVar aggregate classification (germline): Benign. Review status: criteria provided, multiple submitters, no conflicts (2 of 4 stars). 2 submissions from 2 submitters: Benign (2). Last evaluated 2018-06-19.

Allele frequency attached by ClinVar (database versions not stated): gnomAD 0.02050 and 0.02208; 1000 Genomes Project 0.02137; TOPMed 0.02294; 1000 Genomes Project 30x 0.02358.
gnomAD v4.1: 3,104 of 152,314 alleles (2%); highest among the groups gnomAD compares: African/African-American, 7.1%; 93 homozygotes.

Submissions (2):

GeneDx
Classification: Benign. Last evaluated: 2018-06-19. Review status: criteria provided, single submitter. Criteria: GeneDx Variant Classification (06012015). Collection method: clinical testing. Allele origin: germline. Affected: yes.
Comment: This variant is considered likely benign or benign based on one or more of the following criteria: it is a conservative change, it occurs at a poorly conserved position in the protein, it is predicted to be benign by multiple in silico algorithms, and/or has population frequency not consistent with disease.

Breakthrough Genomics
Classification: Benign. Review status: criteria provided, single submitter. Criteria: ACMG Guidelines, 2015. Collection method: not provided. Allele origin: germline. Inheritance: Autosomal recessive inheritance. Affected: yes.

NM_001005361.3(DNM2):c.590-168T>C

Gene: DNM2 (dynamin 2; plus strand). Cytogenetic location: 19p13.2.
Variant type: single nucleotide variant.
Coding change: c.590-168T>C on transcript NM_001005361.3 (MANE Select); 168 bases into the intron before coding-DNA position 590, T replaced by C.
Molecular consequence: intron variant.
Genome position (GRCh38, 1-based): chr19:10,776,950, T>C. VCF-style: chr19-10776950-T-C. GRCh37 (hg19) VCF-style: chr19-10887626-T-C.
Other names: c.590-168T>C (NM_001005360.3, NM_001190716.2, NM_004945.4 and 1 more transcripts).
Identifiers: ClinVar variation 678706 (VCV000678706.2), dbSNP rs10405772, ClinGen allele CA305271426.